The following is an entry in ClinVar:

NM_001378418.1(TCF20):c.213C>G (p.Ser71Arg)

Gene: TCF20 (transcription factor 20; minus strand). Cytogenetic location: 22q13.2.
Variant type: single nucleotide variant.
Coding change: c.213C>G on transcript NM_001378418.1 (MANE Select); coding-DNA position 213, C replaced by G.
Protein change: p.Ser71Arg; replaces serine 71 with arginine.
Molecular consequence: missense variant.
Genome position (GRCh38, 1-based): chr22:42,215,093, G>C on the plus strand (C>G on the coding strand, the complement: TCF20 is on the minus strand). VCF-style: chr22-42215093-G-C. GRCh37 (hg19) VCF-style: chr22-42611099-G-C.
Other names: c.213C>G, p.Ser71Arg (NM_005650.4, NM_181492.3); short protein forms S71R.
Identifiers: ClinVar variation 3664346 (VCV003664346.2).

ClinVar aggregate classification (germline): Uncertain significance (1 of 4 stars; one submission).

gnomAD v4.1: 2 of 1,614,148 alleles (0.00012%); highest among the groups gnomAD compares: Non-Finnish European, 0.00017%; no homozygotes.

Submission:

Labcorp Genetics (formerly Invitae), Labcorp
Classification: Uncertain significance. Last evaluated: 2024-09-03. Review status: criteria provided, single submitter. Criteria: Invitae Variant Classification Sherloc (09022015). Collection method: clinical testing. Allele origin: germline.
Comment: This sequence change replaces serine, which is neutral and polar, with arginine, which is basic and polar, at codon 71 of the TCF20 protein (p.Ser71Arg). This variant is not present in population databases (gnomAD no frequency). This variant has not been reported in the literature in individuals affected with TCF20-related conditions. An algorithm developed to predict the effect of missense changes on protein structure and function (PolyPhen-2) suggests that this variant is likely to be tolerated. In summary, the available evidence is currently insufficient to determine the role of this variant in disease. Therefore, it has been classified as a Variant of Uncertain Significance.